The following is an entry in ClinVar:

NM_007186.6(CEP250):c.3670A>G (p.Arg1224Gly)

Gene: CEP250 (centrosomal protein 250; plus strand). Cytogenetic location: 20q11.22.
Variant type: single nucleotide variant.
Coding change: c.3670A>G on transcript NM_007186.6 (MANE Select); coding-DNA position 3670, A replaced by G.
Protein change: p.Arg1224Gly; replaces arginine 1224 with glycine.
Molecular consequence: missense variant.
Genome position (GRCh38, 1-based): chr20:35,498,609, A>G. VCF-style: chr20-35498609-A-G. GRCh37 (hg19) VCF-style: chr20-34086438-A-G.
Other names: c.3670A>G (NM_007186.5, NM_007186.3); c.1774A>G, p.Arg592Gly (NM_001318219.1); short protein forms R592G, R1224G.
Identifiers: ClinVar variation 1494625 (VCV001494625.7), dbSNP rs781293599, ClinGen allele CA9833530.

ClinVar aggregate classification (germline): Uncertain significance. Review status: criteria provided, multiple submitters, no conflicts (2 of 4 stars). 3 submissions from 3 submitters: Uncertain significance (3). Last evaluated 2026-06-28.

Conditions:
CEP250-related disorder. Also called: CEP250-related condition.

Allele frequency attached by ClinVar (database versions not stated): gnomAD exomes 0.00001 and 0.00003; ExAC 0.00002; TOPMed 0.00009; gnomAD 0.00012 and 0.00013.
gnomAD v4.1: 39 of 1,604,626 alleles (0.0024%); highest among the groups gnomAD compares: African/African-American, 0.039%; no homozygotes.

Submissions (3):

PreventionGenetics, part of Exact Sciences
Classification: Uncertain significance for CEP250-related condition. Last evaluated: 2026-06-28. Review status: criteria provided, single submitter. Criteria: ACMG Guidelines, 2015. Collection method: clinical testing. Allele origin: germline.
Comment: The CEP250 c.3670A>G variant is predicted to result in the amino acid substitution p.Arg1224Gly. To our knowledge, this variant has not been reported in the literature. This variant is reported in 0.057% of alleles in individuals of African descent in gnomAD. Although we suspect that this variant may be benign, at this time, the clinical significance of this variant is uncertain due to the absence of conclusive functional and genetic evidence.

Ambry Genetics
Classification: Uncertain significance. Last evaluated: 2024-12-09. Review status: criteria provided, single submitter. Criteria: Ambry Variant Classification Scheme 2023. Collection method: clinical testing. Allele origin: germline.

Labcorp Genetics (formerly Invitae), Labcorp
Classification: Uncertain significance. Last evaluated: 2024-01-03. Review status: criteria provided, single submitter. Criteria: Invitae Variant Classification Sherloc (09022015). Collection method: clinical testing. Allele origin: germline.
Comment: This sequence change replaces arginine, which is basic and polar, with glycine, which is neutral and non-polar, at codon 1224 of the CEP250 protein (p.Arg1224Gly). This variant is present in population databases (rs781293599, gnomAD 0.06%). This variant has not been reported in the literature in individuals affected with CEP250-related conditions. ClinVar contains an entry for this variant (Variation ID: 1494625). Algorithms developed to predict the effect of missense changes on protein structure and function output the following: SIFT: "Not Available"; PolyPhen-2: "Benign"; Align-GVGD: "Not Available". The glycine amino acid residue is found in multiple mammalian species, which suggests that this missense change does not adversely affect protein function. In summary, the available evidence is currently insufficient to determine the role of this variant in disease. Therefore, it has been classified as a Variant of Uncertain Significance.